The following is an entry in ClinVar:

NM_000051.4(ATM):c.8081G>C (p.Gly2694Ala)

Genes: ATM (ATM serine/threonine kinase; plus strand), C11orf65 (chromosome 11 open reading frame 65; minus strand). Cytogenetic location: 11q22.3.
Variant type: single nucleotide variant.
Coding change: c.8081G>C on transcript NM_000051.4 (MANE Select); coding-DNA position 8081, G replaced by C.
Protein change: p.Gly2694Ala; replaces glycine 2694 with alanine.
Molecular consequence: missense variant. On other transcripts: intron variant (2).
Genome position (GRCh38, 1-based): chr11:108,335,039, G>C. VCF-style: chr11-108335039-G-C. GRCh37 (hg19) VCF-style: chr11-108205766-G-C.
Other names: c.8081G>C, p.Gly2694Ala (NM_001351834.2); c.641-25968C>G (NM_001330368.2); c.*38+181C>G (NM_001351110.2); short protein forms G2694A.
Identifiers: ClinVar variation 1041810 (VCV001041810.12), dbSNP rs2086679689, ClinGen allele CA382562030.

ClinVar aggregate classification (germline): Uncertain significance. Review status: criteria provided, multiple submitters, no conflicts (2 of 4 stars). 2 submissions from 2 submitters: Uncertain significance (2). Last evaluated 2024-09-12.

Conditions:
Hereditary cancer-predisposing syndrome. Also called: Neoplastic Syndromes, Hereditary; Tumor predisposition; Hereditary Cancer Syndrome; Hereditary neoplastic syndrome. Identifiers: Orphanet 140162, MedGen C0027672, MeSH D009386, MONDO:0015356.
Ataxia-telangiectasia syndrome (AT). Also called: Ataxia telangiectasia (A-T); ATAXIA-TELANGIECTASIA, COMPLEMENTATION GROUP A; ATAXIA-TELANGIECTASIA, FRESNO VARIANT; Ataxia-telangiectasia; Ataxia-telangiectasia, complementation group E; LOUIS-BAR SYNDROME. Identifiers: Orphanet 100, MedGen C0004135, MONDO:0008840, OMIM 208900.

Submissions (2):

Ambry Genetics
Classification: Uncertain significance for Hereditary cancer-predisposing syndrome. Last evaluated: 2024-09-12. Review status: criteria provided, single submitter. Criteria: Ambry Variant Classification Scheme 2023. Collection method: clinical testing. Allele origin: germline.
Comment: The p.G2694A variant (also known as c.8081G>C), located in coding exon 54 of the ATM gene, results from a G to C substitution at nucleotide position 8081. The glycine at codon 2694 is replaced by alanine, an amino acid with similar properties. This amino acid position is highly conserved in available vertebrate species. In addition, this alteration is predicted to be deleterious by in silico analysis. Based on the available evidence, the clinical significance of this variant remains unclear.

Labcorp Genetics (formerly Invitae), Labcorp
Classification: Uncertain significance for Ataxia-telangiectasia syndrome. Last evaluated: 2023-12-07. Review status: criteria provided, single submitter. Criteria: Invitae Variant Classification Sherloc (09022015). Collection method: clinical testing. Allele origin: germline.
Comment: This sequence change replaces glycine, which is neutral and non-polar, with alanine, which is neutral and non-polar, at codon 2694 of the ATM protein (p.Gly2694Ala). This variant is not present in population databases (gnomAD no frequency). This variant has not been reported in the literature in individuals affected with ATM-related conditions. ClinVar contains an entry for this variant (Variation ID: 1041810). An algorithm developed to predict the effect of missense changes on protein structure and function (PolyPhen-2) suggests that this variant is likely to be disruptive. In summary, the available evidence is currently insufficient to determine the role of this variant in disease. Therefore, it has been classified as a Variant of Uncertain Significance.